The following is an entry in ClinVar:

NM_001377540.1(SLMAP):c.119C>T (p.Ala40Val)

Gene: SLMAP (sarcolemma associated protein; plus strand). Cytogenetic location: 3p14.3.
Variant type: single nucleotide variant.
Coding change: c.119C>T on transcript NM_001377540.1 (MANE Select); coding-DNA position 119, C replaced by T.
Protein change: p.Ala40Val; replaces alanine 40 with valine.
Molecular consequence: missense variant. On other transcripts: non-coding transcript variant (1).
Genome position (GRCh38, 1-based): chr3:57,757,770, C>T. VCF-style: chr3-57757770-C-T. GRCh37 (hg19) VCF-style: chr3-57743497-C-T.
Other names: c.119C>T, p.Ala40Val (NM_001304420.3, NM_001304421.2, NM_001377538.1 and 17 more transcripts); short protein forms A40V.
Identifiers: ClinVar variation 1413199 (VCV001413199.8), dbSNP rs1228536991, ClinGen allele CA353403328.

ClinVar aggregate classification (germline): Uncertain significance (1 of 4 stars; one submission).

Conditions:
Brugada syndrome. Also called: Sudden Unexplained Death Syndrome; Sudden Unexplained Nocturnal Death Syndrome (SUNDS); Sudden unexplained nocturnal death syndrome; Sudden unexpected nocturnal death syndrome. Identifiers: Orphanet 130, MedGen C1142166, MONDO:0015263.

Submission:

Labcorp Genetics (formerly Invitae), Labcorp
Classification: Uncertain significance for Brugada syndrome. Last evaluated: 2021-07-13. Review status: criteria provided, single submitter. Criteria: Invitae Variant Classification Sherloc (09022015). Collection method: clinical testing. Allele origin: germline.
Comment: This sequence change replaces alanine with valine at codon 40 of the SLMAP protein (p.Ala40Val). The alanine residue is moderately conserved and there is a small physicochemical difference between alanine and valine. This variant is not present in population databases (ExAC no frequency). This variant has not been reported in the literature in individuals affected with SLMAP-related conditions. Algorithms developed to predict the effect of missense changes on protein structure and function are either unavailable or do not agree on the potential impact of this missense change (SIFT: "Deleterious"; PolyPhen-2: "Possibly Damaging"; Align-GVGD: "Class C0"). In summary, the available evidence is currently insufficient to determine the role of this variant in disease. Therefore, it has been classified as a Variant of Uncertain Significance.